The following is an entry in ClinVar:

ClinVar aggregate classification (germline): Uncertain significance (1 of 4 stars; one submission).

Submission:

GeneDx
Classification: Uncertain significance. Last evaluated: 2024-07-07. Review status: criteria provided, single submitter. Criteria: GeneDx Variant Classification Process June 2021. Collection method: clinical testing. Allele origin: germline. Affected: yes.
Comment: Not observed at significant frequency in large population cohorts (gnomAD); In silico analysis supports that this missense variant has a deleterious effect on protein structure/function; In silico analysis supports a deleterious effect on splicing; Has not been previously published as pathogenic or benign to our knowledge

NM_016148.5(SHANK1):c.65G>T (p.Gly22Val)

Gene: SHANK1 (SH3 and multiple ankyrin repeat domains 1; minus strand). Cytogenetic location: 19q13.33.
Variant type: single nucleotide variant.
Coding change: c.65G>T on transcript NM_016148.5 (MANE Select); coding-DNA position 65, G replaced by T.
Protein change: p.Gly22Val; replaces glycine 22 with valine.
Molecular consequence: missense variant.
Genome position (GRCh38, 1-based): chr19:50,716,855, C>A on the plus strand (G>T on the coding strand, the complement: SHANK1 is on the minus strand). VCF-style: chr19-50716855-C-A. GRCh37 (hg19) VCF-style: chr19-51220112-C-A.
Other names: short protein forms G22V.
Identifiers: ClinVar variation 3572715 (VCV003572715.1).
Genomic context (GRCh38, chr19:50,716,855, plus strand): 5'-CCCCGGGTCCCCCGGGGGCCTCGACCTGGCCCGTCTGGGGAGCTGTCGGACTCTGAGCCC[C>A]CCTCGGGACACTCGCTGGCACTGTGGCGTTCCTCGTCCTCGCTTGTCGCGGGGCTGTGGG-3'
Protein context (NP_057232.2, residues 12-32): ERHSASECPE[Gly22Val]GSESDSSPDG